The following is an entry in ClinVar:

NM_000153.4(GALC):c.195G>C (p.Gly65=)

Genes: GALC (galactosylceramidase; minus strand), LOC130056217 (ATAC-STARR-seq lymphoblastoid silent region 5988; plus strand). Cytogenetic location: 14q31.3.
Variant type: single nucleotide variant.
Coding change: c.195G>C on transcript NM_000153.4 (MANE Select); coding-DNA position 195, G replaced by C.
Protein change: p.Gly65=; no amino-acid change (glycine 65 retained).
Molecular consequence: synonymous variant. On other transcripts: intron variant (1).
Genome position (GRCh38, 1-based): chr14:87,992,970, C>G on the plus strand (G>C on the coding strand, the complement: GALC is on the minus strand). VCF-style: chr14-87992970-C-G. GRCh37 (hg19) VCF-style: chr14-88459314-C-G.
Other names: c.195G>C, p.Gly65= (NM_001201401.2); c.117+413G>C (NM_001201402.2).
Identifiers: ClinVar variation 280959 (VCV000280959.21), dbSNP rs886042057, ClinGen allele CA10603753.

ClinVar aggregate classification (germline): Pathogenic/Likely pathogenic. Review status: criteria provided, multiple submitters, no conflicts (2 of 4 stars). 9 submissions from 9 submitters: Pathogenic (6); Likely pathogenic (2). 1 of the submissions does not count toward it. Last evaluated 2025-10-02.

Conditions:
GALC-related disorders.
Galactosylceramide beta-galactosidase deficiency. Also called: Leukodystrophy, Globoid Cell; GALACTOCEREBROSIDASE DEFICIENCY; GALC DEFICIENCY; GLOBOID CELL LEUKOENCEPHALOPATHY; Krabbe Disease. Identifiers: Orphanet 487, MedGen C0023521, MONDO:0009499, OMIM 245200.

Allele frequency attached by ClinVar (database versions not stated): gnomAD 0.00010; TOPMed 0.00012; 1000 Genomes Project 30x 0.00016.
gnomAD v4.1: 21 of 1,520,264 alleles (0.0014%); highest among the groups gnomAD compares: African/African-American, 0.03%; no homozygotes.

Submissions (9):

Labcorp Genetics (formerly Invitae), Labcorp
Classification: Pathogenic for Galactosylceramide beta-galactosidase deficiency. Last evaluated: 2025-10-02. Review status: criteria provided, single submitter. Criteria: Invitae Variant Classification Sherloc (09022015). Collection method: clinical testing. Allele origin: germline.
Comment: This sequence change affects codon 65 of the GALC mRNA. It is a 'silent' change, meaning that it does not change the encoded amino acid sequence of the GALC protein. RNA analysis indicates that this variant induces altered splicing and may result in an absent or altered protein product. This variant is present in population databases (no rsID available, gnomAD 0.02%). This variant has been observed in individual(s) with Krabbe disease (PMID: 8940268, 9005874, 23197103). In at least one individual the data is consistent with being in trans (on the opposite chromosome) from a pathogenic variant. It has also been observed to segregate with disease in related individuals. ClinVar contains an entry for this variant (Variation ID: 280959). Variants that disrupt the consensus splice site are a relatively common cause of aberrant splicing (PMID: 17576681, 9536098). Studies have shown that this variant results in abnormal splicing, and produces a non-functional protein and/or introduces a premature termination codon (PMID: 8940268). For these reasons, this variant has been classified as Pathogenic.

Natera, Inc.
Classification: Likely pathogenic for Galactosylceramide beta-galactosidase deficiency. Last evaluated: 2025-03-14. Review status: criteria provided, single submitter. Criteria: Natera Variant Classification Schema (03/2026). Collection method: clinical testing. Allele origin: germline.
Comment: The c.195G>C variant in GALC is a synonymous variant that does not alter the encoded amino acid at position 65 (p.G65=). This variant is rare in the general population with a frequency below the threshold expected for the associated phenotype(s). This variant has been observed in one or more individuals affected with the associated recessive disease, as either homozygous or compound heterozygous with a second variant (PMID: 9005874, 23197103). Functional studies show that this variant may disrupt protein function (PMID: 8940268). Computational prediction algorithms indicate this variant is likely to affect gene or protein function. Given the available evidence, this variant is classified as Likely Pathogenic.

Genetic Services Laboratory, University of Chicago
Classification: Pathogenic. Last evaluated: 2024-08-21. Review status: criteria provided, single submitter. Criteria: ACMG Guidelines, 2015. Collection method: clinical testing. Allele origin: germline. Affected: yes.
Comment: DNA sequence analysis of the GALC gene demonstrated a sequence change, c.195G>C. This sequence change does not result in an amino acid change, but is located near the canonical splice donor site of intron 1. This sequence change has been previously described in the bi-allelic state in several individuals with Krabbe disease (PMID: 8940268, 9005874, 23197103). This sequence change has been described in the gnomAD database with a frequency of 0.001% in the global population (dbSNP rs886042057). Based on in-silico splice prediction programs, this sequence change likely affects normal splicing of the GALC gene, which would result in an abnormal protein, however functional studies have not been performed to prove this conclusively. Collectively, this evidence indicates that this sequence change is pathogenic.

Blueprint Genetics
Classification: Pathogenic for GALC-related disorders. Last evaluated: 2023-06-07. Review status: criteria provided, single submitter. Criteria: ACMG Guidelines, 2015. Collection method: clinical testing. Allele origin: germline. Affected: yes. Observed: 3 variant alleles.

Women's Health and Genetics/Laboratory Corporation of America, LabCorp
Classification: Pathogenic for Galactosylceramide beta-galactosidase deficiency. Last evaluated: 2022-12-18. Review status: criteria provided, single submitter. Criteria: LabCorp Variant Classification Summary - May 2015. Collection method: clinical testing. Allele origin: germline.
Comment: Variant summary: GALC c.195G>C (p.Gly65Gly) alters a conserved nucleotide located as the last nucleotide of exon 1 adjacent to the canonical intron 1 splice donor site and therefore could affect mRNA splicing, leading to a significantly altered protein sequence. Several computational tools predict a significant impact on normal splicing: Two predict the variant abolishes the canonical 5' splicing donor site. Two predict the variant weakens the canonical 5' splicing donor site. At least one publication reports experimental evidence that this variant affects mRNA splicing resulting in first 126 bases of intron 1 inserted in-frame between nucleotides 195 and 196 (legacy nucleotides 147 and 148) (exactly at the junction of exons 1 and 2), because of the activation of a cryptic splice site (De Gasperi_1996). The variant was absent in 125252 control chromosomes. c.195G>C has been reported in the literature in individuals affected with slowly progressive/late onset Krabbe Disease (example, De Gasperi_1996, Bernardini_1997, Debs_2013). These data indicate that the variant is likely to be associated with disease. Five clinical diagnostic laboratories have submitted clinical-significance assessments for this variant to ClinVar after 2014 without evidence for independent evaluation. All laboratories classified the variant as pathogenic/likely pathogenic. Based on the evidence outlined above, the variant was classified as pathogenic.

Rady Children's Institute for Genomic Medicine, Rady Children's Hospital San Diego
Classification: Pathogenic for KRABBE DISEASE. Last evaluated: 2020-03-13. Review status: criteria provided, single submitter. Criteria: ACMG Guidelines, 2015. Collection method: clinical testing. Allele origin: germline. Affected: yes.
Comment: This variant affects the splice donor site of exon 1 and is therefore predicted to interfere with splicing and result in loss of normal protein function. This variant has been previously reported in individuals with late onset Krabbe's disease as a compound heterozygous change in two related individuals (PMID: 9005874, 8940268), the compound homozygous state in one individual (PMID: 23197103), and in one individual with no second variant identified (PMID: 23197103). It is present in the heterozygous state in the gnomAD population database at a frequency of 0.006% (2/31320) and thus is presumed to be rare. Multiple splice prediction tools suggest this variant is likely to interfere with normal splicing. This variant is present in the ClinVar database (Variation ID: 280959). Functional studies support a damaging effect of this variant on splicing (PMID: 8940268). . Based on the available evidence, the c.195G>C (p.Gly65=) variant is classified as Pathogenic.

Center for Pediatric Genomic Medicine, Children's Mercy Hospital and Clinics
Classification: Pathogenic. Last evaluated: 2017-09-06. Review status: criteria provided, single submitter. Criteria: ACMG Guidelines, 2015. Collection method: clinical testing. Allele origin: germline.

Eurofins Ntd Llc (ga)
Classification: Likely pathogenic. Last evaluated: 2017-05-18. Review status: criteria provided, single submitter. Criteria: EGL Classification Definitions 2015. Collection method: clinical testing. Allele origin: germline. Observed: 2 variant alleles, 2 heterozygotes.

Counsyl
Classification: Likely pathogenic for Galactosylceramide beta-galactosidase deficiency. Last evaluated: 2018-04-26. Review status: no assertion criteria provided. Collection method: clinical testing. Allele origin: unknown. Not counted in ClinVar's aggregate classification.

Literature cited by the submitters: PubMed 8940268 (cited by 5 submitters); PubMed 9005874 (cited by 3 submitters); PubMed 23197103 (cited by 4 submitters); PubMed 17576681 (cited by Labcorp Genetics (formerly Invitae), Labcorp); PubMed 9536098 (cited by Labcorp Genetics (formerly Invitae), Labcorp); PubMed 27617109 (cited by Women's Health and Genetics/Laboratory Corporation of America, LabCorp).